The following is an entry in ClinVar:

ClinVar aggregate classification (germline): Uncertain significance (1 of 4 stars; one submission).

Conditions:
Rubinstein-Taybi syndrome due to EP300 haploinsufficiency. Also called: RUBINSTEIN-TAYBI SYNDROME 2; EP300-Related Rubinstein-Taybi Syndrome. Identifiers: Orphanet 353284, Orphanet 783, MedGen C3150941, MONDO:0013364, OMIM 613684.

Submission:

MVZ Medizinische Genetik Mainz
Classification: Uncertain significance for Rubinstein-Taybi syndrome due to EP300 haploinsufficiency. Last evaluated: 2024-05-02. Review status: criteria provided, single submitter. Criteria: UK Practice Guidelines For Variant Classification V4 01 2020. Collection method: clinical testing. Allele origin: germline. Inheritance: Autosomal dominant inheritance. Affected: yes. Observed: 1 variant allele.
Comment: ACMG Criteria: PVS1_STR,PM2_SUP

NM_001429.4(EP300):c.6833_6842dup (p.Gln2281fs)

Gene: EP300 (EP300 lysine acetyltransferase; plus strand). Cytogenetic location: 22q13.2.
Variant type: Duplication.
Coding change: c.6833_6842dup on transcript NM_001429.4 (MANE Select); coding-DNA positions 6833 to 6842, 10 bases duplicated (TGAGCCCCCA; older notation c.6833_6842dupTGAGCCCCCA).
Protein change: p.Gln2281fs; shifts the reading frame from glutamine 2281.
Molecular consequence: frameshift variant.
Genome position (GRCh38, 1-based): chr22:41,178,544-41,178,553, TGAGCCCCCA duplicated; duplicating any 10 consecutive bases within chr22:41,178,539-41,178,553 gives the same sequence; the c. name uses the placement nearest the transcript's 3' end. VCF-style (leftmost placement, unchanged base first): chr22-41178538-A-ACCCCATGAGC. GRCh37 (hg19) VCF-style: chr22-41574542-A-ACCCCATGAGC.
Other names: c.6755_6764dup, p.Gln2255fs (NM_001362843.2); short protein forms Q2255fs, Q2281fs.
Identifiers: ClinVar variation 3235954 (VCV003235954.1), dbSNP rs2517835542, ClinGen allele CA2825002889.
Genomic context (GRCh38, chr22:41,178,538, plus strand): 5'-GTCTACAGGCCTATCAGCAGCGACTCCTTCAGCAACAGATGGGGTCCCCTGTTCAGCCCA[A>ACCCCATGAGC]CCCCATGAGCCCCCAGCAGCATATGCTCCCAAATCAGGCCCAGTCCCCACACCTACAAGG-3'